The following is an entry in ClinVar:

NM_002485.5(NBN):c.808_809del (p.Val270fs)

Gene: NBN (nibrin; minus strand). Cytogenetic location: 8q21.3.
Variant type: Microsatellite.
Coding change: c.808_809del on transcript NM_002485.5 (MANE Select); coding-DNA positions 808 to 809, 2 bases deleted (GT; older notation c.808_809delGT).
Protein change: p.Val270fs; shifts the reading frame from valine 270.
Molecular consequence: frameshift variant.
Genome position (GRCh38, 1-based): chr8:89,970,451-89,970,452, AC deleted on the plus strand (GT on the coding strand, the reverse complement: NBN is on the minus strand); deleting any 2 consecutive bases within chr8:89,970,451-89,970,456 gives the same sequence; the c. name uses the placement nearest the transcript's 3' end. VCF-style (leftmost placement, unchanged base first): chr8-89970450-AAC-A. GRCh37 (hg19) VCF-style: chr8-90982678-AAC-A.
Other names: c.808_809delGT (NM_002485.4); c.562_563del, p.Val188fs (NM_001024688.3); short protein forms V270fs, V188fs.
Identifiers: ClinVar variation 185833 (VCV000185833.31), dbSNP rs786202490, ClinGen allele CA193101.

ClinVar aggregate classification (germline): Pathogenic/Likely pathogenic. Review status: criteria provided, multiple submitters, no conflicts (2 of 4 stars). 8 submissions from 8 submitters: Pathogenic (5); Likely pathogenic (3). Last evaluated 2025-09-28.

Conditions:
Hereditary cancer-predisposing syndrome. Also called: Hereditary Cancer Syndrome; Neoplastic Syndromes, Hereditary; Tumor predisposition; Hereditary neoplastic syndrome. Identifiers: Orphanet 140162, MedGen C0027672, MeSH D009386, MONDO:0015356.
Microcephaly, normal intelligence and immunodeficiency (NBS). Also called: IMMUNODEFICIENCY, MICROCEPHALY, AND CHROMOSOMAL INSTABILITY; SEEMANOVA SYNDROME II; Immunodeficiency, microcephaly with normal intelligence; Ataxia telangiectasia variant V1; Nijmegen breakage syndrome; Microcephaly with normal intelligence immunodeficiency and lymphoreticular malignancies. Identifiers: Orphanet 647, MedGen C0398791, MONDO:0009623, OMIM 251260.
Aplastic anemia. Identifiers: Orphanet 182040, Orphanet 88, MedGen C0002874, MONDO:0015909, OMIM 609135, HP:0001915.

Submissions (8):

Natera, Inc.
Classification: Likely pathogenic for Nijmegen breakage syndrome. Last evaluated: 2025-09-28. Review status: criteria provided, single submitter. Criteria: Natera Variant Classification Schema (03/2026). Collection method: clinical testing. Allele origin: germline.
Comment: The c.808_809delGT variant in NBN is a frameshift variant predicted to shift the reading frame beginning at codon 270 and leads to a stop codon 2 codons downstream. This variant is expected to result in nonsense mediated decay, truncation, or a dysfunctional protein product. This variant is rare in the general population with a frequency below the threshold expected for the associated phenotype(s). Given the available evidence, this variant is classified as Likely Pathogenic.

Labcorp Genetics (formerly Invitae), Labcorp
Classification: Pathogenic for Microcephaly, normal intelligence and immunodeficiency. Last evaluated: 2024-06-06. Review status: criteria provided, single submitter. Criteria: Invitae Variant Classification Sherloc (09022015). Collection method: clinical testing. Allele origin: germline.
Comment: This sequence change creates a premature translational stop signal (p.Val270Cysfs*2) in the NBN gene. It is expected to result in an absent or disrupted protein product. Loss-of-function variants in NBN are known to be pathogenic (PMID: 9590180, 16415040). This variant is present in population databases (rs786202490, gnomAD 0.0008%). This variant has not been reported in the literature in individuals affected with NBN-related conditions. ClinVar contains an entry for this variant (Variation ID: 185833). For these reasons, this variant has been classified as Pathogenic.

GeneDx
Classification: Likely pathogenic. Last evaluated: 2024-05-03. Review status: criteria provided, single submitter. Criteria: GeneDx Variant Classification Process June 2021. Collection method: clinical testing. Allele origin: germline. Affected: yes.
Comment: Frameshift variant predicted to result in protein truncation or nonsense mediated decay in a gene for which loss of function is a known mechanism of disease; Not observed at significant frequency in large population cohorts (gnomAD); This variant is associated with the following publications: (PMID: 33471991, 35353336, 35595529, 26315354, 27533158, 26787654, 26046366, 29922827, 33804961, 34887416, 32427313, 24894818, 28888541)

Baylor Genetics
Classification: Likely pathogenic for Aplastic anemia. Last evaluated: 2023-12-24. Review status: criteria provided, single submitter. Criteria: ACMG Guidelines, 2015. Collection method: clinical testing. Allele origin: unknown.

Genome-Nilou Lab
Classification: Pathogenic for Microcephaly, normal intelligence and immunodeficiency. Last evaluated: 2021-11-07. Review status: criteria provided, single submitter. Criteria: ACMG Guidelines, 2015. Collection method: clinical testing. Allele origin: germline. Affected: no.

Ambry Genetics
Classification: Pathogenic for Hereditary cancer-predisposing syndrome. Last evaluated: 2021-10-25. Review status: criteria provided, single submitter. Criteria: Ambry Variant Classification Scheme 2023. Collection method: clinical testing. Allele origin: germline.
Comment: The c.808_809delGT pathogenic mutation, located in coding exon 7 of the NBN gene, results from a deletion of two nucleotides at nucleotide positions 808 to 809, causing a translational frameshift with a predicted alternate stop codon (p.V270Cfs*2). This alteration is expected to result in loss of function by premature protein truncation or nonsense-mediated mRNA decay. As such, this alteration is interpreted as a disease-causing mutation.

Revvity Omics, Revvity
Classification: Pathogenic. Last evaluated: 2019-07-01. Review status: criteria provided, single submitter. Criteria: ACMG Guidelines, 2015. Collection method: clinical testing. Allele origin: germline.

Quest Diagnostics Nichols Institute San Juan Capistrano
Classification: Pathogenic. Last evaluated: 2019-02-20. Review status: criteria provided, single submitter. Criteria: Quest Diagnostics criteria. Collection method: clinical testing. Allele origin: germline.
Comment: The variant results in a shift of the reading frame, and is therefore predicted to result in the loss of a functional protein. Found in at least one symptomatic patient, and found in general population data that is consistent with pathogenicity.

Literature cited by the submitters: PubMed 9590180 (cited by Labcorp Genetics (formerly Invitae), Labcorp); PubMed 16415040 (cited by Labcorp Genetics (formerly Invitae), Labcorp); PubMed 24894818 (cited by Ambry Genetics and Quest Diagnostics Nichols Institute San Juan Capistrano); PubMed 26046366 (cited by Ambry Genetics); PubMed 26315354 (cited by Ambry Genetics and Quest Diagnostics Nichols Institute San Juan Capistrano); PubMed 26787654 (cited by Ambry Genetics); PubMed 33471991 (cited by Ambry Genetics).